The following is an entry in ClinVar:

ClinVar aggregate classification (germline): Benign. Review status: criteria provided, multiple submitters, no conflicts (2 of 4 stars). 5 submissions from 5 submitters: Benign (4). 1 of the submissions does not count toward it. Last evaluated 2026-01-27.

Allele frequency attached by ClinVar (database versions not stated): gnomAD 0.00332 and 0.00357; 1000 Genomes Project 30x 0.00359; TOPMed 0.00374; ESP Exome Variant Server 0.00438; 1000 Genomes Project 0.00439.
gnomAD v4.1: 1,034 of 1,614,180 alleles (0.064%); highest among the groups gnomAD compares: African/African-American, 1.1%; 6 homozygotes.

Submissions (5):

Labcorp Genetics (formerly Invitae), Labcorp
Classification: Benign. Last evaluated: 2026-01-27. Review status: criteria provided, single submitter. Criteria: Invitae Variant Classification Sherloc (09022015). Collection method: clinical testing. Allele origin: germline.

CeGaT Center for Human Genetics Tuebingen
Classification: Benign. Last evaluated: 2023-01-01. Review status: criteria provided, single submitter. Criteria: CeGaT Center For Human Genetics Tuebingen Variant Classification Criteria Version 2. Collection method: clinical testing. Allele origin: germline. Affected: yes. Observed: 1 variant allele.
Comment: TARS2: BP4, BS1, BS2

GeneDx
Classification: Benign. Last evaluated: 2020-01-20. Review status: criteria provided, single submitter. Criteria: GeneDx Variant Classification Process June 2021. Collection method: clinical testing. Allele origin: germline. Affected: yes.

Breakthrough Genomics
Classification: Benign. Review status: criteria provided, single submitter. Criteria: ACMG Guidelines, 2015. Collection method: not provided. Allele origin: germline. Inheritance: Autosomal recessive inheritance. Affected: yes.

Mayo Clinic Laboratories, Mayo Clinic
Classification: Benign. Last evaluated: 2017-08-22. Review status: no assertion criteria provided. Collection method: clinical testing. Allele origin: unknown. Not counted in ClinVar's aggregate classification.

NM_025150.5(TARS2):c.1453G>A (p.Val485Ile)

Gene: TARS2 (threonyl-tRNA synthetase 2, mitochondrial; plus strand). Cytogenetic location: 1q21.2.
Variant type: single nucleotide variant.
Coding change: c.1453G>A on transcript NM_025150.5 (MANE Select); coding-DNA position 1453, G replaced by A.
Protein change: p.Val485Ile; replaces valine 485 with isoleucine.
Molecular consequence: missense variant. On other transcripts: non-coding transcript variant (2).
Genome position (GRCh38, 1-based): chr1:150,498,948, G>A. VCF-style: chr1-150498948-G-A. GRCh37 (hg19) VCF-style: chr1-150471424-G-A.
Other names: c.1207G>A, p.Val403Ile (NM_001271895.2); c.1063G>A, p.Val355Ile (NM_001271896.2); short protein forms V485I, V403I, V355I.
Identifiers: ClinVar variation 382113 (VCV000382113.41), dbSNP rs116552645, ClinGen allele CA1077018.